The following is an entry in ClinVar:

ClinVar aggregate classification (germline): Conflicting classifications of pathogenicity. Review status: criteria provided, conflicting classifications (1 of 4 stars). 6 submissions from 6 submitters: Uncertain significance (1); Likely benign (4). 1 of the submissions does not count toward it. Last evaluated 2026-01-19.

Conditions:
Hereditary cancer-predisposing syndrome. Also called: Hereditary Cancer Syndrome; Hereditary neoplastic syndrome; Neoplastic Syndromes, Hereditary; Tumor predisposition. Identifiers: Orphanet 140162, MedGen C0027672, MeSH D009386, MONDO:0015356.
Hereditary breast ovarian cancer syndrome. Also called: BRCA1- and BRCA2-Associated Hereditary Breast and Ovarian Cancer; Hereditary breast and ovarian cancer syndrome; Breast and ovarian cancer; Hereditary breast and ovarian cancer syndrome (HBOC); Hereditary breast and ovarian cancer; Hereditary breast and/or ovarian cancer syndrome. Identifiers: Orphanet 145, MedGen C0677776, MeSH D061325, MONDO:0003582. Disease mechanism: loss of function.
Breast-ovarian cancer, familial, susceptibility to, 2 (BROVCA2). Also called: BRCA2 Hereditary Breast and Ovarian Cancer. Identifiers: Orphanet 145, MedGen C2675520, MONDO:0012933, OMIM 612555. Disease mechanism: loss of function.

Allele frequency attached by ClinVar (database versions not stated): TOPMed below 0.00001; gnomAD exomes 0.00001 and 0.00002; ExAC 0.00002.
gnomAD v4.1: 35 of 1,613,068 alleles (0.0022%); highest among the groups gnomAD compares: Non-Finnish European, 0.003%; no homozygotes.

Submissions (6):

Labcorp Genetics (formerly Invitae), Labcorp
Classification: Likely benign for Hereditary breast ovarian cancer syndrome. Last evaluated: 2026-01-19. Review status: criteria provided, single submitter. Criteria: Invitae Variant Classification Sherloc (09022015). Collection method: clinical testing. Allele origin: germline.

Women's Health and Genetics/Laboratory Corporation of America, LabCorp
Classification: Likely benign. Last evaluated: 2024-12-17. Review status: criteria provided, single submitter. Criteria: LabCorp Variant Classification Summary - May 2015. Collection method: clinical testing. Allele origin: germline.
Comment: Variant summary: BRCA2 c.8755-17A>G alters a non-conserved nucleotide located at a position not widely known to affect splicing. Consensus agreement among computation tools predict no significant impact on normal splicing. However, these predictions have yet to be confirmed by functional studies. The variant allele was found at a frequency of 8e-06 in 249580 control chromosomes. The available data on variant occurrences in the general population are insufficient to allow any conclusion about variant significance. c.8755-17A>G has been reported in the literature in individuals affected with Hereditary Breast And Ovarian Cancer Syndrome without strong evidence of causality (Pellegrino_2016). These report(s) do not provide unequivocal conclusions about association of the variant with Hereditary Breast And Ovarian Cancer Syndrome. To our knowledge, no experimental evidence demonstrating an impact on protein function has been reported. ClinVar contains an entry for this variant (Variation ID: 96873). Based on the evidence outlined above, the variant was classified as likely benign.

Blueprint Genetics
Classification: Likely benign. Last evaluated: 2022-09-22. Review status: criteria provided, single submitter. Criteria: ACMG Guidelines, 2015. Collection method: clinical testing. Allele origin: germline.

Color Diagnostics, LLC DBA Color Health
Classification: Likely benign for Hereditary cancer-predisposing syndrome. Last evaluated: 2016-06-27. Review status: criteria provided, single submitter. Criteria: ACMG Guidelines, 2015. Collection method: clinical testing. Allele origin: germline.

Ambry Genetics
Classification: Uncertain significance for Hereditary cancer-predisposing syndrome. Last evaluated: 2015-03-09. Review status: criteria provided, single submitter. Criteria: Ambry Variant Classification Scheme 2023. Collection method: clinical testing. Allele origin: germline.
Comment: The c.8755-17A>G intronic alteration consists of a A to G substitution 17 nucleotides before coding exon 21 in the BRCA2 gene. Based on insufficient or conflicting evidence, the clinical significance of this alteration remains unclear.

Sharing Clinical Reports Project (SCRP)
Classification: Benign for Breast-ovarian cancer, familial 2. Last evaluated: 2012-05-01. Review status: no assertion criteria provided. Collection method: clinical testing. Allele origin: germline. Not counted in ClinVar's aggregate classification.

Literature cited by the submitters: PubMed 27163896 (cited by Women's Health and Genetics/Laboratory Corporation of America, LabCorp).

NM_000059.4(BRCA2):c.8755-17A>G

Gene: BRCA2 (BRCA2 DNA repair associated; plus strand). Cytogenetic location: 13q13.1.
Variant type: single nucleotide variant.
Coding change: c.8755-17A>G on transcript NM_000059.4 (MANE Select); 17 bases into the intron before coding-DNA position 8755, A replaced by G.
Molecular consequence: intron variant.
Genome position (GRCh38, 1-based): chr13:32,379,300, A>G. VCF-style: chr13-32379300-A-G. GRCh37 (hg19) VCF-style: chr13-32953437-A-G.
Other names: IVS21-17A>G.
Identifiers: ClinVar variation 96873 (VCV000096873.20), dbSNP rs431825370, ClinGen allele CA025810.